The following is an entry in ClinVar:

NM_006379.5(SEMA3C):c.1619C>G (p.Ser540Cys)

Gene: SEMA3C (semaphorin 3C; minus strand). Cytogenetic location: 7q21.11.
Variant type: single nucleotide variant.
Coding change: c.1619C>G on transcript NM_006379.5 (MANE Select); coding-DNA position 1619, C replaced by G.
Protein change: p.Ser540Cys; replaces serine 540 with cysteine.
Molecular consequence: missense variant.
Genome position (GRCh38, 1-based): chr7:80,758,355, G>C on the plus strand (C>G on the coding strand, the complement: SEMA3C is on the minus strand). VCF-style: chr7-80758355-G-C. GRCh37 (hg19) VCF-style: chr7-80387671-G-C.
Other names: c.1673C>G, p.Ser558Cys (NM_001350120.2); c.1445C>G, p.Ser482Cys (NM_001350121.2); c.1619C>G (NM_006379.3); short protein forms S482C, S540C, S558C.
Identifiers: ClinVar variation 3346450 (VCV003346450.2).

ClinVar aggregate classification (germline): Uncertain significance. Review status: criteria provided, single submitter (1 of 4 stars). 2 submissions from 2 submitters: Uncertain significance (1). 1 of the submissions does not count toward it. Last evaluated 2025-09-04.

Conditions:
SEMA3C-related disorder. Also called: SEMA3C-related condition.

gnomAD v4.1: 3 of 1,613,732 alleles (0.00019%); highest among the groups gnomAD compares: Non-Finnish European, 0.00025%; no homozygotes.

Submissions (2):

Ambry Genetics
Classification: Uncertain significance. Last evaluated: 2025-09-04. Review status: criteria provided, single submitter. Criteria: Ambry Variant Classification Scheme 2023. Collection method: clinical testing. Allele origin: germline.

PreventionGenetics, part of Exact Sciences
Classification: Uncertain significance for SEMA3C-related condition. Last evaluated: 2024-06-07. Review status: no assertion criteria provided. Collection method: clinical testing. Allele origin: germline. Not counted in ClinVar's aggregate classification.
Comment: The SEMA3C c.1673C>G variant is predicted to result in the amino acid substitution p.Ser558Cys. To our knowledge, this variant has not been reported in the literature or in a large population database, indicating this variant is rare. At this time, the clinical significance of this variant is uncertain due to the absence of conclusive functional and genetic evidence.